The following is an entry in ClinVar:

NM_001378454.1(ALMS1):c.11998C>T (p.Pro4000Ser)

Genes: ALMS1 (ALMS1 centrosome and basal body associated protein; plus strand), LOC126806252 (BRD4-independent group 4 enhancer GRCh37_chr2:73828496-73829695; plus strand). Cytogenetic location: 2p13.1.
Variant type: single nucleotide variant.
Coding change: c.11998C>T on transcript NM_001378454.1 (MANE Select); coding-DNA position 11998, C replaced by T.
Protein change: p.Pro4000Ser; replaces proline 4000 with serine.
Molecular consequence: missense variant.
Genome position (GRCh38, 1-based): chr2:73,601,320, C>T. VCF-style: chr2-73601320-C-T. GRCh37 (hg19) VCF-style: chr2-73828447-C-T.
Other names: c.12001C>T, p.Pro4001Ser (NM_015120.4); short protein forms P4001S, P4000S.
Identifiers: ClinVar variation 337035 (VCV000337035.11), dbSNP rs767061718, ClinGen allele CA1715399.

ClinVar aggregate classification (germline): Uncertain significance. Review status: criteria provided, multiple submitters, no conflicts (2 of 4 stars). 2 submissions from 2 submitters: Uncertain significance (2). Last evaluated 2023-05-01.

Conditions:
ALMS1-related disorder. Also called: ALMS1-related condition.
Alstrom syndrome (ALMS). Identifiers: Orphanet 64, MedGen C0268425, MONDO:0008763, OMIM 203800.

Allele frequency attached by ClinVar (database versions not stated): gnomAD exomes below 0.00001; ExAC 0.00001.
gnomAD v4.1: 4 of 1,614,220 alleles (0.00025%); highest among the groups gnomAD compares: Non-Finnish European, 0.00034%; no homozygotes.

Submissions (2):

PreventionGenetics, part of Exact Sciences
Classification: Uncertain significance for ALMS1-related condition. Last evaluated: 2023-05-01. Review status: criteria provided, single submitter. Criteria: ACMG Guidelines, 2015. Collection method: clinical testing. Allele origin: germline.
Comment: The ALMS1 c.12001C>T variant is predicted to result in the amino acid substitution p.Arg4001Trp. To our knowledge, this variant has not been reported in the literature. This variant is reported in 0.050% of alleles in individuals of European (Non-Finnish) descent in gnomAD. Although we suspect that this variant may be benign, at this time, the clinical significance of this variant is uncertain due to the absence of conclusive functional and genetic evidence.

Labcorp Genetics (formerly Invitae), Labcorp
Classification: Uncertain significance for Alstrom syndrome. Last evaluated: 2022-03-10. Review status: criteria provided, single submitter. Criteria: Invitae Variant Classification Sherloc (09022015). Collection method: clinical testing. Allele origin: germline.
Comment: In summary, the available evidence is currently insufficient to determine the role of this variant in disease. Therefore, it has been classified as a Variant of Uncertain Significance. This variant has not been reported in the literature in individuals affected with ALMS1-related conditions. ClinVar contains an entry for this variant (Variation ID: 337035). Experimental studies and prediction algorithms are not available or were not evaluated, and the functional significance of this variant is currently unknown. This variant is present in population databases (rs767061718, gnomAD 0.0009%). This sequence change replaces proline, which is neutral and non-polar, with serine, which is neutral and polar, at codon 4001 of the ALMS1 protein (p.Pro4001Ser).